The following is an entry in ClinVar:

ClinVar aggregate classification (germline): Likely benign (0 of 4 stars; one submission).

Conditions:
TRPA1-related disorder. Also called: TRPA1-related condition.

Allele frequency attached by ClinVar (database versions not stated): gnomAD 0.00006; TOPMed 0.00007; gnomAD exomes 0.00009; ExAC 0.00011; 1000 Genomes Project 0.00020; 1000 Genomes Project 30x 0.00031.
gnomAD v4.1: 145 of 1,614,154 alleles (0.009%); highest among the groups gnomAD compares: Admixed American, 0.032%; 1 homozygote.

Submission:

PreventionGenetics, part of Exact Sciences
Classification: Likely benign for TRPA1-related condition. Last evaluated: 2019-02-20. Review status: no assertion criteria provided. Collection method: clinical testing. Allele origin: germline.
Comment: This variant is classified as likely benign based on ACMG/AMP sequence variant interpretation guidelines (Richards et al. 2015 PMID: 25741868, with internal and published modifications).

NM_007332.3(TRPA1):c.339C>T (p.Ser113=)

Gene: TRPA1 (transient receptor potential cation channel subfamily A member 1; minus strand). Cytogenetic location: 8q21.11.
Variant type: single nucleotide variant.
Coding change: c.339C>T on transcript NM_007332.3 (MANE Select); coding-DNA position 339, C replaced by T.
Protein change: p.Ser113=; no amino-acid change (serine 113 retained).
Molecular consequence: synonymous variant.
Genome position (GRCh38, 1-based): chr8:72,069,128, G>A on the plus strand (C>T on the coding strand, the complement: TRPA1 is on the minus strand). VCF-style: chr8-72069128-G-A. GRCh37 (hg19) VCF-style: chr8-72981363-G-A.
Identifiers: ClinVar variation 3045638 (VCV003045638.2), dbSNP rs553282808, ClinGen allele CA4781260.